The following is an entry in ClinVar:

ClinVar aggregate classification (germline): Uncertain significance. Review status: criteria provided, multiple submitters, no conflicts (2 of 4 stars). 2 submissions from 2 submitters: Uncertain significance (2). Last evaluated 2025-07-31.

Allele frequency attached by ClinVar (database versions not stated): ExAC 0.00001; gnomAD exomes below 0.00001; TOPMed 0.00001.
gnomAD v4.1: 1 of 1,613,902 alleles (0.000062%); highest among the groups gnomAD compares: Admixed American, 0.0017%; no homozygotes.

Submissions (2):

Labcorp Genetics (formerly Invitae), Labcorp
Classification: Uncertain significance. Last evaluated: 2025-07-31. Review status: criteria provided, single submitter. Criteria: Invitae Variant Classification Sherloc (09022015). Collection method: clinical testing. Allele origin: germline.
Comment: This sequence change replaces alanine, which is neutral and non-polar, with serine, which is neutral and polar, at codon 1022 of the NPAT protein (p.Ala1022Ser). This variant is present in population databases (rs771414825, gnomAD 0.003%). This variant has not been reported in the literature in individuals affected with NPAT-related conditions. ClinVar contains an entry for this variant (Variation ID: 1799413). An algorithm developed to predict the effect of missense changes on protein structure and function (PolyPhen-2) suggests that this variant is likely to be tolerated. In summary, the available evidence is currently insufficient to determine the role of this variant in disease. Therefore, it has been classified as a Variant of Uncertain Significance.

Ambry Genetics
Classification: Uncertain significance. Last evaluated: 2022-06-06. Review status: criteria provided, single submitter. Criteria: Ambry Variant Classification Scheme 2023. Collection method: clinical testing. Allele origin: germline.
Comment: The p.A1022S variant (also known as c.3064G>T), located in coding exon 16 of the NPAT gene, results from a G to T substitution at nucleotide position 3064. The alanine at codon 1022 is replaced by serine, an amino acid with similar properties. This amino acid position is conserved. In addition, this alteration is predicted to be tolerated by in silico analysis. Since supporting evidence is limited at this time, the clinical significance of this alteration remains unclear.

NM_002519.3(NPAT):c.3064G>T (p.Ala1022Ser)

Gene: NPAT (nuclear protein, coactivator of histone transcription; minus strand). Cytogenetic location: 11q22.3.
Variant type: single nucleotide variant.
Coding change: c.3064G>T on transcript NM_002519.3 (MANE Select); coding-DNA position 3064, G replaced by T.
Protein change: p.Ala1022Ser; replaces alanine 1022 with serine.
Molecular consequence: missense variant.
Genome position (GRCh38, 1-based): chr11:108,162,127, C>A on the plus strand (G>T on the coding strand, the complement: NPAT is on the minus strand). VCF-style: chr11-108162127-C-A. GRCh37 (hg19) VCF-style: chr11-108032854-C-A.
Other names: c.3064G>T, p.Ala1022Ser (NM_001321307.1); short protein forms A1022S.
Identifiers: ClinVar variation 1799413 (VCV001799413.3), dbSNP rs771414825, ClinGen allele CA6263670.
Genomic context (GRCh38, chr11:108,162,127, plus strand): 5'-GTTTTAAATCTGAGCATTCAAACAATCTATGATAGAAACTACTTTATACTCACTTTTGTG[C>A]ATGACATCCAACTGAATGACCTGACGAATCCACCAAATTATTTACTTGTTTTCCTGAAAT-3'
Protein context (NP_002510.2, residues 1012-1032): DSSGHSVGCH[Ala1022Ser]QKTEVSDKSI